The following is an entry in ClinVar:

ClinVar aggregate classification (germline): Uncertain significance (1 of 4 stars; one submission).

Submission:

Labcorp Genetics (formerly Invitae), Labcorp
Classification: Uncertain significance. Last evaluated: 2025-01-06. Review status: criteria provided, single submitter. Criteria: Invitae Variant Classification Sherloc (09022015). Collection method: clinical testing. Allele origin: germline.
Comment: This sequence change replaces methionine, which is neutral and non-polar, with arginine, which is basic and polar, at codon 332 of the ARID1A protein (p.Met332Arg). This variant is not present in population databases (gnomAD no frequency). This variant has not been reported in the literature in individuals affected with ARID1A-related conditions. Invitae Evidence Modeling of protein sequence and biophysical properties (such as structural, functional, and spatial information, amino acid conservation, physicochemical variation, residue mobility, and thermodynamic stability) indicates that this missense variant is not expected to disrupt ARID1A protein function with a negative predictive value of 95%. In summary, the available evidence is currently insufficient to determine the role of this variant in disease. Therefore, it has been classified as a Variant of Uncertain Significance.

NM_006015.6(ARID1A):c.995T>G (p.Met332Arg)

Genes: ARID1A (AT-rich interaction domain 1A; plus strand), LOC129929837 (ATAC-STARR-seq lymphoblastoid silent region 489; plus strand). Cytogenetic location: 1p36.11.
Variant type: single nucleotide variant.
Coding change: c.995T>G on transcript NM_006015.6 (MANE Select); coding-DNA position 995, T replaced by G.
Protein change: p.Met332Arg; replaces methionine 332 with arginine.
Molecular consequence: missense variant.
Genome position (GRCh38, 1-based): chr1:26,697,398, T>G. VCF-style: chr1-26697398-T-G. GRCh37 (hg19) VCF-style: chr1-27023889-T-G.
Other names: c.995T>G, p.Met332Arg (NM_139135.4); short protein forms M332R.
Identifiers: ClinVar variation 3619659 (VCV003619659.2).